The following is an entry in ClinVar:

NM_014140.4(SMARCAL1):c.2055del (p.Thr686fs)

Gene: SMARCAL1 (SNF2 related chromatin remodeling annealing helicase 1; plus strand). Cytogenetic location: 2q35.
Variant type: Deletion.
Coding change: c.2055del on transcript NM_014140.4 (MANE Select); coding-DNA position 2055, one base deleted (C; older notation c.2055delC).
Protein change: p.Thr686fs; shifts the reading frame from threonine 686.
Molecular consequence: frameshift variant.
Genome position (GRCh38, 1-based): chr2:216,451,049, C deleted; the last of 2 consecutive C bases (chr2:216,451,048-216,451,049); deleting either gives the same sequence. VCF-style (leftmost placement, unchanged base first): chr2-216451047-AC-A. GRCh37 (hg19) VCF-style: chr2-217315770-AC-A.
Other names: c.2055del, p.Thr686fs (NM_001127207.2); c.2055delC, p.Thr686Profs (NM_014140.3); short protein forms T686fs.
Identifiers: ClinVar variation 4815598 (VCV004815598.1).
Genomic context (GRCh38, chr2:216,451,047, plus strand): 5'-GCCCCAGGACGGATCAATGCCAGGACCAGAGCTGCCCTGGATGCTGCAGCCAAGGAAATG[AC>A]CACCAAGGACAAAACTGTGAGTCCAGGGCTGGAGACAGATTTGGAAGCAGACATGTCTAG-3'

ClinVar aggregate classification (germline): Likely pathogenic (1 of 4 stars; one submission).

Conditions:
Schimke immuno-osseous dysplasia (SIOD). Also called: Schimke Immunoosseous Dysplasia. Identifiers: Orphanet 1830, MedGen C0877024, MONDO:0009458, OMIM 242900.

Submission:

Natera, Inc.
Classification: Likely pathogenic for Schimke immuno-osseous dysplasia. Last evaluated: 2024-10-29. Review status: criteria provided, single submitter. Criteria: Natera Variant Classification Schema (03/2026). Collection method: clinical testing. Allele origin: germline.
Comment: The c.2055del variant in SMARCAL1 is a frameshift variant predicted to shift the reading frame beginning at codon 686 and leads to a stop codon 44 codons downstream. This variant is expected to result in nonsense mediated decay, truncation, or a dysfunctional protein product. This variant is rare in the general population with a frequency below the threshold expected for the associated phenotype(s). Given the available evidence, this variant is classified as Likely Pathogenic.